The following is an entry in ClinVar:

ClinVar aggregate classification (germline): Uncertain significance (1 of 4 stars; one submission).

Allele frequency attached by ClinVar (database versions not stated): gnomAD 0.00005; TOPMed 0.00006; ExAC 0.00013; ESP Exome Variant Server 0.00016.

Submission:

Labcorp Genetics (formerly Invitae), Labcorp
Classification: Uncertain significance. Last evaluated: 2023-08-14. Review status: criteria provided, single submitter. Criteria: Invitae Variant Classification Sherloc (09022015). Collection method: clinical testing. Allele origin: germline.
Comment: In summary, the available evidence is currently insufficient to determine the role of this variant in disease. Therefore, it has been classified as a Variant of Uncertain Significance. An algorithm developed to predict the effect of missense changes on protein structure and function (PolyPhen-2) suggests that this variant is likely to be disruptive. This variant has not been reported in the literature in individuals affected with ADGRB2-related conditions. This variant is present in population databases (rs369677687, gnomAD 0.009%). This sequence change replaces arginine, which is basic and polar, with glutamine, which is neutral and polar, at codon 1323 of the ADGRB2 protein (p.Arg1323Gln).

NM_001364857.2(ADGRB2):c.4067G>A (p.Arg1356Gln)

Gene: ADGRB2 (adhesion G protein-coupled receptor B2; minus strand). Cytogenetic location: 1p35.2.
Variant type: single nucleotide variant.
Coding change: c.4067G>A on transcript NM_001364857.2 (MANE Select); coding-DNA position 4067, G replaced by A.
Protein change: p.Arg1356Gln; replaces arginine 1356 with glutamine.
Molecular consequence: missense variant.
Genome position (GRCh38, 1-based): chr1:31,731,113, C>T on the plus strand (G>A on the coding strand, the complement: ADGRB2 is on the minus strand). VCF-style: chr1-31731113-C-T. GRCh37 (hg19) VCF-style: chr1-32196714-C-T.
Other names: c.4067G>A, p.Arg1356Gln (NM_001703.2, NM_001294335.2); c.3968G>A, p.Arg1323Gln (NM_001294336.2); short protein forms R1323Q, R1356Q.
Identifiers: ClinVar variation 3016061 (VCV003016061.3), dbSNP rs369677687, ClinGen allele CA735149.